The following is an entry in ClinVar:

NM_013380.4(ZNF112):c.1369A>G (p.Ile457Val)

Gene: ZNF112 (zinc finger protein 112; minus strand). Cytogenetic location: 19q13.31.
Variant type: single nucleotide variant.
Coding change: c.1369A>G on transcript NM_013380.4 (MANE Select); coding-DNA position 1369, A replaced by G.
Protein change: p.Ile457Val; replaces isoleucine 457 with valine.
Molecular consequence: missense variant.
Genome position (GRCh38, 1-based): chr19:44,328,788, T>C on the plus strand (A>G on the coding strand, the complement: ZNF112 is on the minus strand). VCF-style: chr19-44328788-T-C. GRCh37 (hg19) VCF-style: chr19-44832941-T-C.
Other names: c.1387A>G, p.Ile463Val (NM_001083335.2); c.1438A>G, p.Ile480Val (NM_001348281.2); c.1369A>G, p.Ile457Val (NM_001348282.2, NM_001348283.1); c.1186A>G, p.Ile396Val (NM_001348284.2, NM_001348285.2); short protein forms I463V, I480V, I396V, I457V.
Identifiers: ClinVar variation 91928 (VCV000091928.2), dbSNP rs386352382, ClinGen allele CA232179.

ClinVar aggregate classification (germline): Uncertain significance (0 of 4 stars; one submission).

Allele frequency attached by ClinVar (database versions not stated): gnomAD exomes below 0.00001.
gnomAD v4.1: 2 of 1,614,118 alleles (0.00012%); highest among the groups gnomAD compares: Non-Finnish European, 0.00017%; no homozygotes.

Submission:

Richard Lifton Laboratory, Yale University School of Medicine
Classification: Uncertain significance. Review status: no assertion criteria provided. Collection method: not provided. Allele origin: somatic.
Comment: ZFP112
ClinVar note: Converted during submission from unknown to Uncertain significance.